The following is an entry in ClinVar:

ClinVar aggregate classification (germline): Likely benign (1 of 4 stars; one submission).

Submission:

CeGaT Center for Human Genetics Tuebingen
Classification: Likely benign. Last evaluated: 2025-12-01. Review status: criteria provided, single submitter. Criteria: CeGaT Center For Human Genetics Tuebingen Variant Classification Criteria Version 2. Collection method: clinical testing. Allele origin: germline. Affected: yes. Observed: 1 variant allele.
Comment: COMT: PM2:Supporting, BP4, BP7

NM_000754.4(COMT):c.30A>C (p.Ala10=)

Gene: COMT (catechol-O-methyltransferase; plus strand). Cytogenetic location: 22q11.21.
Variant type: single nucleotide variant.
Coding change: c.30A>C on transcript NM_000754.4 (MANE Select); coding-DNA position 30, A replaced by C.
Protein change: p.Ala10=; no amino-acid change (alanine 10 retained).
Molecular consequence: synonymous variant. On other transcripts: 5 prime UTR variant (1).
Genome position (GRCh38, 1-based): chr22:19,962,556, A>C. VCF-style: chr22-19962556-A-C. GRCh37 (hg19) VCF-style: chr22-19950079-A-C.
Other names: c.30A>C, p.Ala10= (NM_001135161.2, NM_001135162.2, NM_001362828.2); c.-121A>C (NM_007310.3).
Identifiers: ClinVar variation 4682031 (VCV004682031.5).